The following is an entry in ClinVar:

NM_001354930.2(RIPK1):c.842T>C (p.Ile281Thr)

Gene: RIPK1 (receptor interacting serine/threonine kinase 1; plus strand). Cytogenetic location: 6p25.2.
Variant type: single nucleotide variant.
Coding change: c.842T>C on transcript NM_001354930.2 (MANE Select); coding-DNA position 842, T replaced by C.
Protein change: p.Ile281Thr; replaces isoleucine 281 with threonine.
Molecular consequence: missense variant.
Genome position (GRCh38, 1-based): chr6:3,089,584, T>C. VCF-style: chr6-3089584-T-C. GRCh37 (hg19) VCF-style: chr6-3089818-T-C.
Other names: c.353T>C, p.Ile118Thr (NM_001317061.3, NM_001354932.2, NM_001354933.2 and 1 more transcripts); c.704T>C, p.Ile235Thr (NM_001354931.2); c.842T>C, p.Ile281Thr (NM_003804.6); c.842T>C (NM_003804.3); short protein forms I118T, I235T, I281T.
Identifiers: ClinVar variation 2140828 (VCV002140828.6), dbSNP rs771520056, ClinGen allele CA3618310.

ClinVar aggregate classification (germline): Uncertain significance. Review status: criteria provided, multiple submitters, no conflicts (2 of 4 stars). 3 submissions from 3 submitters: Uncertain significance (3). Last evaluated 2026-02-13.

Conditions:
Inborn genetic diseases. Identifiers: MedGen C0950123, MeSH D030342.

Allele frequency attached by ClinVar (database versions not stated): TOPMed 0.00004; gnomAD exomes 0.00005; ExAC 0.00003; gnomAD 0.00003.
gnomAD v4.1: 69 of 1,450,302 alleles (0.0048%); highest among the groups gnomAD compares: Non-Finnish European, 0.0059%; no homozygotes.

Submissions (3):

Women's Health and Genetics/Laboratory Corporation of America, LabCorp
Classification: Uncertain significance. Last evaluated: 2026-02-13. Review status: criteria provided, single submitter. Criteria: LabCorp Variant Classification Summary - May 2015. Collection method: clinical testing. Allele origin: germline.
Comment: Variant summary: RIPK1 c.842T>C (p.Ile281Thr) results in a non-conservative amino acid change in the encoded protein sequence. Algorithms developed to predict the effect of missense changes on protein structure and function all suggest that this variant is likely to be disruptive. The variant allele was found at a frequency of 2.1e-05 in 242072 control chromosomes. The available data on variant occurrences in the general population are insufficient to allow any conclusion about variant significance. To our knowledge, no occurrence of c.842T>C in individuals affected with RIPK1-related conditions and no experimental evidence demonstrating its impact on protein function have been reported. ClinVar contains an entry for this variant (Variation ID: 2140828). Based on the evidence outlined above, the variant was classified as uncertain significance.

Labcorp Genetics (formerly Invitae), Labcorp
Classification: Uncertain significance. Last evaluated: 2025-07-21. Review status: criteria provided, single submitter. Criteria: Invitae Variant Classification Sherloc (09022015). Collection method: clinical testing. Allele origin: germline.
Comment: This sequence change replaces isoleucine, which is neutral and non-polar, with threonine, which is neutral and polar, at codon 281 of the RIPK1 protein (p.Ile281Thr). This variant is present in population databases (rs771520056, gnomAD 0.008%). This variant has not been reported in the literature in individuals affected with RIPK1-related conditions. ClinVar contains an entry for this variant (Variation ID: 2140828). An algorithm developed to predict the effect of missense changes on protein structure and function (PolyPhen-2) suggests that this variant is likely to be disruptive. In summary, the available evidence is currently insufficient to determine the role of this variant in disease. Therefore, it has been classified as a Variant of Uncertain Significance.

Ambry Genetics
Classification: Uncertain significance for Inborn genetic diseases. Last evaluated: 2024-01-09. Review status: criteria provided, single submitter. Criteria: Ambry Variant Classification Scheme 2023. Collection method: clinical testing. Allele origin: germline.